The following is an entry in ClinVar:

ClinVar aggregate classification (germline): Uncertain significance. Review status: criteria provided, multiple submitters, no conflicts (2 of 4 stars). 3 submissions from 3 submitters: Uncertain significance (3). Last evaluated 2025-10-14.

Conditions:
Hereditary cancer-predisposing syndrome. Also called: Hereditary Cancer Syndrome; Neoplastic Syndromes, Hereditary; Tumor predisposition; Hereditary neoplastic syndrome. Identifiers: Orphanet 140162, MedGen C0027672, MeSH D009386, MONDO:0015356.
Familial cancer of breast. Also called: BREAST CANCER, FAMILIAL; Hereditary breast cancer; hereditary breast carcinoma. Identifiers: Orphanet 227535, MedGen C0346153, MONDO:0016419, OMIM 114480. Disease mechanism: loss of function.

Submissions (3):

Ambry Genetics
Classification: Uncertain significance for Hereditary cancer-predisposing syndrome. Last evaluated: 2025-10-14. Review status: criteria provided, single submitter. Criteria: Ambry Variant Classification Scheme 2023. Collection method: clinical testing. Allele origin: germline.
Comment: The p.C18F variant (also known as c.53G>T), located in coding exon 1 of the CHEK2 gene, results from a G to T substitution at nucleotide position 53. The cysteine at codon 18 is replaced by phenylalanine, an amino acid with highly dissimilar properties. This amino acid position is conserved. In addition, the in silico prediction for this alteration is inconclusive. Since supporting evidence is limited at this time, the clinical significance of this alteration remains unclear.

Labcorp Genetics (formerly Invitae), Labcorp
Classification: Uncertain significance for Familial cancer of breast. Last evaluated: 2025-03-20. Review status: criteria provided, single submitter. Criteria: Invitae Variant Classification Sherloc (09022015). Collection method: clinical testing. Allele origin: germline.
Comment: This sequence change replaces cysteine, which is neutral and slightly polar, with phenylalanine, which is neutral and non-polar, at codon 18 of the CHEK2 protein (p.Cys18Phe). This variant is not present in population databases (gnomAD no frequency). This variant has not been reported in the literature in individuals affected with CHEK2-related conditions. ClinVar contains an entry for this variant (Variation ID: 1747303). An algorithm developed to predict the effect of missense changes on protein structure and function outputs the following: PolyPhen-2: "Benign". The phenylalanine amino acid residue is found in multiple mammalian species, which suggests that this missense change does not adversely affect protein function. In summary, the available evidence is currently insufficient to determine the role of this variant in disease. Therefore, it has been classified as a Variant of Uncertain Significance.

GeneDx
Classification: Uncertain significance. Last evaluated: 2024-01-16. Review status: criteria provided, single submitter. Criteria: GeneDx Variant Classification Process June 2021. Collection method: clinical testing. Allele origin: germline. Affected: yes.
Comment: Not observed at significant frequency in large population cohorts (gnomAD); In silico analysis supports that this missense variant has a deleterious effect on protein structure/function; Has not been previously published as pathogenic or benign to our knowledge

NM_007194.4(CHEK2):c.53G>T (p.Cys18Phe)

Gene: CHEK2 (checkpoint kinase 2; minus strand). Cytogenetic location: 22q12.1.
Variant type: single nucleotide variant.
Coding change: c.53G>T on transcript NM_007194.4 (MANE Select); coding-DNA position 53, G replaced by T.
Protein change: p.Cys18Phe; replaces cysteine 18 with phenylalanine.
Molecular consequence: missense variant.
Genome position (GRCh38, 1-based): chr22:28,734,669, C>A on the plus strand (G>T on the coding strand, the complement: CHEK2 is on the minus strand). VCF-style: chr22-28734669-C-A. GRCh37 (hg19) VCF-style: chr22-29130657-C-A.
Other names: c.53G>T, p.Cys18Phe (NM_001005735.3, NM_001349956.3, NM_145862.3); c.-725G>T (NM_001257387.3); short protein forms C18F.
Identifiers: ClinVar variation 1747303 (VCV001747303.6), dbSNP rs151218932, ClinGen allele CA411091855.
Genomic context (GRCh38, chr22:28,734,669, plus strand): 5'-ATGCCCTGGGACTGTGAGGAGGAGCCTTGGGACTGGGTAACGCTGCCATGGGGCTGTGAA[C>A]AGGCACTGCTGCCATGAGACTGCTGAGCCTCAACATCCGACTCCCGAGACATCACGACCT-3'
Protein context (NP_009125.1, residues 8-28): EAQQSHGSSA[Cys18Phe]SQPHGSVTQS